The following is an entry in ClinVar:

ClinVar aggregate classification (germline): Uncertain significance. Review status: criteria provided, multiple submitters, no conflicts (2 of 4 stars). 2 submissions from 2 submitters: Uncertain significance (2). Last evaluated 2025-07-06.

Conditions:
Tumor predisposition syndrome 3 (TPDS3). Also called: Melanoma, cutaneous malignant, susceptibility to, 10; LONG TELOMERE SYNDROME, POT1-RELATED; POT1 Tumor Predisposition; Glioma susceptibility 9. Identifiers: Orphanet 618, MedGen C4014476, MONDO:0014368, OMIM 615848.

Submissions (2):

Labcorp Genetics (formerly Invitae), Labcorp
Classification: Uncertain significance for Tumor predisposition syndrome 3. Last evaluated: 2025-07-06. Review status: criteria provided, single submitter. Criteria: Invitae Variant Classification Sherloc (09022015). Collection method: clinical testing. Allele origin: germline.
Comment: This sequence change replaces proline, which is neutral and non-polar, with leucine, which is neutral and non-polar, at codon 593 of the POT1 protein (p.Pro593Leu). This variant is not present in population databases (gnomAD no frequency). This variant has not been reported in the literature in individuals affected with POT1-related conditions. ClinVar contains an entry for this variant (Variation ID: 1465310). Invitae Evidence Modeling of protein sequence and biophysical properties (such as structural, functional, and spatial information, amino acid conservation, physicochemical variation, residue mobility, and thermodynamic stability) indicates that this missense variant is not expected to disrupt POT1 protein function with a negative predictive value of 80%. In summary, the available evidence is currently insufficient to determine the role of this variant in disease. Therefore, it has been classified as a Variant of Uncertain Significance.

GeneDx
Classification: Uncertain significance. Last evaluated: 2024-01-08. Review status: criteria provided, single submitter. Criteria: GeneDx Variant Classification Process June 2021. Collection method: clinical testing. Allele origin: germline. Affected: yes.
Comment: Not observed at significant frequency in large population cohorts (gnomAD); In silico analysis supports that this missense variant has a deleterious effect on protein structure/function; Has not been previously published as pathogenic or benign to our knowledge; This variant is associated with the following publications: (PMID: 28393830)

NM_015450.3(POT1):c.1778C>T (p.Pro593Leu)

Gene: POT1 (protection of telomeres 1; minus strand). Cytogenetic location: 7q31.33.
Variant type: single nucleotide variant.
Coding change: c.1778C>T on transcript NM_015450.3 (MANE Select); coding-DNA position 1778, C replaced by T.
Protein change: p.Pro593Leu; replaces proline 593 with leucine.
Molecular consequence: missense variant. On other transcripts: non-coding transcript variant (3).
Genome position (GRCh38, 1-based): chr7:124,825,266, G>A on the plus strand (C>T on the coding strand, the complement: POT1 is on the minus strand). VCF-style: chr7-124825266-G-A. GRCh37 (hg19) VCF-style: chr7-124465320-G-A.
Other names: c.1778C>T (NM_015450.2); c.1385C>T, p.Pro462Leu (NM_001042594.2); short protein forms P593L, P462L.
Identifiers: ClinVar variation 1465310 (VCV001465310.9), dbSNP rs2116407652, ClinGen allele CA369062126.